The following is an entry in ClinVar:

ClinVar aggregate classification (germline): Uncertain significance (1 of 4 stars; one submission).

Submission:

Labcorp Genetics (formerly Invitae), Labcorp
Classification: Uncertain significance. Last evaluated: 2025-09-28. Review status: criteria provided, single submitter. Criteria: Invitae Variant Classification Sherloc (09022015). Collection method: clinical testing. Allele origin: germline.
Comment: This sequence change replaces threonine, which is neutral and polar, with proline, which is neutral and non-polar, at codon 542 of the DNA2 protein (p.Thr542Pro). This variant is present in population databases (no rsID available, gnomAD 0.0009%). This variant has not been reported in the literature in individuals affected with DNA2-related conditions. Invitae Evidence Modeling of protein sequence and biophysical properties (such as structural, functional, and spatial information, amino acid conservation, physicochemical variation, residue mobility, and thermodynamic stability) has been performed for this missense variant. However, the output from this modeling did not meet the statistical confidence thresholds required to predict the impact of this variant on DNA2 protein function. In summary, the available evidence is currently insufficient to determine the role of this variant in disease. Therefore, it has been classified as a Variant of Uncertain Significance.

NM_001080449.3(DNA2):c.1624A>C (p.Thr542Pro)

Gene: DNA2 (DNA replication helicase/nuclease 2; minus strand). Cytogenetic location: 10q21.3.
Variant type: single nucleotide variant.
Coding change: c.1624A>C on transcript NM_001080449.3 (MANE Select); coding-DNA position 1624, A replaced by C.
Protein change: p.Thr542Pro; replaces threonine 542 with proline.
Molecular consequence: missense variant. On other transcripts: non-coding transcript variant (1).
Genome position (GRCh38, 1-based): chr10:68,437,033, T>G on the plus strand (A>C on the coding strand, the complement: DNA2 is on the minus strand). VCF-style: chr10-68437033-T-G. GRCh37 (hg19) VCF-style: chr10-70196790-T-G.
Other names: short protein forms T542P.
Identifiers: ClinVar variation 4772896 (VCV004772896.1).